The following is an entry in ClinVar:

NM_032634.4(PIGO):c.586T>A (p.Phe196Ile)

Gene: PIGO (phosphatidylinositol glycan anchor biosynthesis class O; minus strand). Cytogenetic location: 9p13.3.
Variant type: single nucleotide variant.
Coding change: c.586T>A on transcript NM_032634.4 (MANE Select); coding-DNA position 586, T replaced by A.
Protein change: p.Phe196Ile; replaces phenylalanine 196 with isoleucine.
Molecular consequence: missense variant.
Genome position (GRCh38, 1-based): chr9:35,094,285, A>T on the plus strand (T>A on the coding strand, the complement: PIGO is on the minus strand). VCF-style: chr9-35094285-A-T. GRCh37 (hg19) VCF-style: chr9-35094282-A-T.
Other names: c.586T>A, p.Phe196Ile (NM_001201484.2, NM_152850.4); short protein forms F196I.
Identifiers: ClinVar variation 4747547 (VCV004747547.1).

ClinVar aggregate classification (germline): Uncertain significance (1 of 4 stars; one submission).

Conditions:
Hyperphosphatasia with impaired intellectual development syndrome 2. Also called: GLYCOSYLPHOSPHATIDYLINOSITOL BIOSYNTHESIS DEFECT 6; Hyperphosphatasia with intellectual disability syndrome 2. Identifiers: Orphanet 247262, MedGen C3553637, MONDO:0013882, OMIM 614749.

Submission:

Labcorp Genetics (formerly Invitae), Labcorp
Classification: Uncertain significance for Hyperphosphatasia with impaired intellectual development syndrome 2. Last evaluated: 2025-11-02. Review status: criteria provided, single submitter. Criteria: Invitae Variant Classification Sherloc (09022015). Collection method: clinical testing. Allele origin: germline.
Comment: This sequence change replaces phenylalanine, which is neutral and non-polar, with isoleucine, which is neutral and non-polar, at codon 196 of the PIGO protein (p.Phe196Ile). This variant is not present in population databases (gnomAD no frequency). This variant has not been reported in the literature in individuals affected with PIGO-related conditions. Invitae Evidence Modeling of protein sequence and biophysical properties (such as structural, functional, and spatial information, amino acid conservation, physicochemical variation, residue mobility, and thermodynamic stability) has been performed for this missense variant. However, the output from this modeling did not meet the statistical confidence thresholds required to predict the impact of this variant on PIGO protein function. In summary, the available evidence is currently insufficient to determine the role of this variant in disease. Therefore, it has been classified as a Variant of Uncertain Significance.